The following is an entry in ClinVar:

NM_004863.4(SPTLC2):c.166A>G (p.Lys56Glu)

Gene: SPTLC2 (serine palmitoyltransferase long chain base subunit 2; minus strand). Cytogenetic location: 14q24.3.
Variant type: single nucleotide variant.
Coding change: c.166A>G on transcript NM_004863.4 (MANE Select); coding-DNA position 166, A replaced by G.
Protein change: p.Lys56Glu; replaces lysine 56 with glutamic acid.
Molecular consequence: missense variant.
Genome position (GRCh38, 1-based): chr14:77,597,347, T>C on the plus strand (A>G on the coding strand, the complement: SPTLC2 is on the minus strand). VCF-style: chr14-77597347-T-C. GRCh37 (hg19) VCF-style: chr14-78063690-T-C.
Other names: short protein forms K56E.
Identifiers: ClinVar variation 471492 (VCV000471492.8), dbSNP rs1251070277, ClinGen allele CA390706506.
Genomic context (GRCh38, chr14:77,597,347, plus strand): 5'-CATACGTGAGCACAGCAACCAGCATTGGTGTTTCTTCAAAAGCTTCATTAAACGGTCTTT[T>C]ATATAGTCCTCCATTTTGTGTAACATGATGGATCTAAAAGAGAGGTTAAAAATGTTTATT-3'
Protein context (NP_004854.1, residues 46-66): HHVTQNGGLY[Lys56Glu]RPFNEAFEET

ClinVar aggregate classification (germline): Uncertain significance (1 of 4 stars; one submission).

Conditions:
Neuropathy, hereditary sensory and autonomic, type 1C. Also called: HSAN IC; HSN IC. Identifiers: Orphanet 36386, MedGen C3150896, MONDO:0013337, OMIM 613640.

Allele frequency attached by ClinVar (database versions not stated): gnomAD exomes below 0.00001; TOPMed below 0.00001.
gnomAD v4.1: 1 of 1,614,216 alleles (0.000062%); highest among the groups gnomAD compares: Admixed American, 0.0017%; no homozygotes.

Submission:

Labcorp Genetics (formerly Invitae), Labcorp
Classification: Uncertain significance for Neuropathy, hereditary sensory and autonomic, type 1C. Last evaluated: 2017-07-02. Review status: criteria provided, single submitter. Criteria: Invitae Variant Classification Sherloc (09022015). Collection method: clinical testing. Allele origin: germline.
Comment: This sequence change replaces lysine with glutamic acid at codon 56 of the SPTLC2 protein (p.Lys56Glu). The lysine residue is moderately conserved and there is a small physicochemical difference between lysine and glutamic acid. This variant is not present in population databases (ExAC no frequency). This variant has not been reported in the literature in individuals with SPTLC2-related disease. Algorithms developed to predict the effect of missense changes on protein structure and function (SIFT, PolyPhen-2, Align-GVGD) all suggest that this variant is likely to be tolerated, but these predictions have not been confirmed by published functional studies and their clinical significance is uncertain. In summary, the available evidence is currently insufficient to determine the role of this variant in disease. Therefore, it has been classified as a Variant of Uncertain Significance.